The following is an entry in ClinVar:

NM_000245.4(MET):c.158A>G (p.Gln53Arg)

Gene: MET (MET proto-oncogene, receptor tyrosine kinase; plus strand). Cytogenetic location: 7q31.2.
Variant type: single nucleotide variant.
Coding change: c.158A>G on transcript NM_000245.4 (MANE Select); coding-DNA position 158, A replaced by G.
Protein change: p.Gln53Arg; replaces glutamine 53 with arginine.
Molecular consequence: missense variant. On other transcripts: intron variant (1).
Genome position (GRCh38, 1-based): chr7:116,699,242, A>G. VCF-style: chr7-116699242-A-G. GRCh37 (hg19) VCF-style: chr7-116339296-A-G.
Other names: c.158A>G, p.Gln53Arg (NM_001127500.3, NM_001324401.3); c.-91+26665A>G (NM_001324402.2); c.158A>G (NM_001127500.1); short protein forms Q53R.
Identifiers: ClinVar variation 1062090 (VCV001062090.8), dbSNP rs1002286461, ClinGen allele CA164887897.

ClinVar aggregate classification (germline): Uncertain significance. Review status: criteria provided, multiple submitters, no conflicts (2 of 4 stars). 2 submissions from 2 submitters: Uncertain significance (2). Last evaluated 2026-01-14.

Conditions:
Hereditary cancer-predisposing syndrome. Also called: Neoplastic Syndromes, Hereditary; Hereditary Cancer Syndrome; Hereditary neoplastic syndrome; Tumor predisposition. Identifiers: Orphanet 140162, MedGen C0027672, MeSH D009386, MONDO:0015356.
Renal cell carcinoma. Identifiers: Orphanet 217071, MedGen C0007134, MeSH D002292, MONDO:0005086, HP:0005584.

Allele frequency attached by ClinVar (database versions not stated): TOPMed below 0.00001.

Submissions (2):

Labcorp Genetics (formerly Invitae), Labcorp
Classification: Uncertain significance for Renal cell carcinoma. Last evaluated: 2026-01-14. Review status: criteria provided, single submitter. Criteria: Invitae Variant Classification Sherloc (09022015). Collection method: clinical testing. Allele origin: germline.
Comment: This sequence change replaces glutamine, which is neutral and polar, with arginine, which is basic and polar, at codon 53 of the MET protein (p.Gln53Arg). This variant is not present in population databases (gnomAD no frequency). This variant has not been reported in the literature in individuals affected with MET-related conditions. ClinVar contains an entry for this variant (Variation ID: 1062090). Invitae Evidence Modeling of protein sequence and biophysical properties (such as structural, functional, and spatial information, amino acid conservation, physicochemical variation, residue mobility, and thermodynamic stability) indicates that this missense variant is not expected to disrupt MET protein function with a negative predictive value of 80%. In summary, the available evidence is currently insufficient to determine the role of this variant in disease. Therefore, it has been classified as a Variant of Uncertain Significance.

Ambry Genetics
Classification: Uncertain significance for Hereditary cancer-predisposing syndrome. Last evaluated: 2023-03-22. Review status: criteria provided, single submitter. Criteria: Ambry Variant Classification Scheme 2023. Collection method: clinical testing. Allele origin: germline.
Comment: The p.Q53R variant (also known as c.158A>G), located in coding exon 1 of the MET gene, results from an A to G substitution at nucleotide position 158. The glutamine at codon 53 is replaced by arginine, an amino acid with highly similar properties. This amino acid position is conserved. In addition, this alteration is predicted to be tolerated by in silico analysis. Since supporting evidence is limited at this time, the clinical significance of this alteration remains unclear.